The following is an entry in ClinVar:

NM_001278182.2(EOMES):c.375C>G (p.Ala125=)

Genes: EOMES (eomesodermin; minus strand), LOC129936390 (ATAC-STARR-seq lymphoblastoid silent region 14153; plus strand). Cytogenetic location: 3p24.1.
Variant type: single nucleotide variant.
Coding change: c.375C>G on transcript NM_001278182.2 (MANE Select); coding-DNA position 375, C replaced by G.
Protein change: p.Ala125=; no amino-acid change (alanine 125 retained).
Molecular consequence: synonymous variant. On other transcripts: intron variant (1).
Genome position (GRCh38, 1-based): chr3:27,721,920, G>C on the plus strand (C>G on the coding strand, the complement: EOMES is on the minus strand). VCF-style: chr3-27721920-G-C. GRCh37 (hg19) VCF-style: chr3-27763411-G-C.
Other names: c.375C>G, p.Ala125= (NM_005442.4); c.-5+510C>G (NM_001278183.2).
Identifiers: ClinVar variation 3055689 (VCV003055689.2), dbSNP rs2473924183, ClinGen allele CA433058387.

ClinVar aggregate classification (germline): Likely benign (0 of 4 stars; one submission).

Conditions:
EOMES-related disorder. Also called: EOMES-related condition.

Submission:

PreventionGenetics, part of Exact Sciences
Classification: Likely benign for EOMES-related condition. Last evaluated: 2021-06-10. Review status: no assertion criteria provided. Collection method: clinical testing. Allele origin: germline.
Comment: This variant is classified as likely benign based on ACMG/AMP sequence variant interpretation guidelines (Richards et al. 2015 PMID: 25741868, with internal and published modifications).